The following is an entry in ClinVar:

NM_013352.4(DSE):c.2215G>T (p.Ala739Ser)

Gene: DSE (dermatan sulfate epimerase; plus strand). Cytogenetic location: 6q22.1.
Variant type: single nucleotide variant.
Coding change: c.2215G>T on transcript NM_013352.4 (MANE Select); coding-DNA position 2215, G replaced by T.
Protein change: p.Ala739Ser; replaces alanine 739 with serine.
Molecular consequence: missense variant. On other transcripts: 3 prime UTR variant (2), non-coding transcript variant (1).
Genome position (GRCh38, 1-based): chr6:116,436,683, G>T. VCF-style: chr6-116436683-G-T. GRCh37 (hg19) VCF-style: chr6-116757846-G-T.
Other names: c.2215G>T, p.Ala739Ser (NM_001080976.3, NM_001322937.2, NM_001322938.2); c.2272G>T, p.Ala758Ser (NM_001322939.2); c.1654G>T, p.Ala552Ser (NM_001322940.2, NM_001322941.2); c.*1080G>T (NM_001322943.2, NM_001322944.2); c.1216G>T, p.Ala406Ser (NM_001374520.1); c.1180G>T, p.Ala394Ser (NM_001374521.1); short protein forms A394S, A552S, A739S, A406S, A758S.
Identifiers: ClinVar variation 1030280 (VCV001030280.1), dbSNP rs1784179508, ClinGen allele CA365407015.

ClinVar aggregate classification (germline): Uncertain significance (1 of 4 stars; one submission).

Conditions:
Ehlers-Danlos syndrome, musculocontractural type 2 (EDSMC2). Identifiers: Orphanet 2953, MedGen C3809845, MONDO:0014236, OMIM 615539.

Submission:

Baylor Genetics
Classification: Uncertain significance for Ehlers-Danlos syndrome, musculocontractural type 2. Last evaluated: 2020-06-03. Review status: criteria provided, single submitter. Criteria: ACMG Guidelines, 2015. Collection method: clinical testing. Allele origin: unknown. Affected: yes.
Comment: This variant was determined to be of uncertain significance according to ACMG Guidelines, 2015 [PMID:25741868].